The following is an entry in ClinVar:

ClinVar aggregate classification (germline): Pathogenic (1 of 4 stars; one submission).

Conditions:
Myopathy, distal, 5 (MPD5). Also called: Adenylosuccinate synthetase-like 1-related distal myopathy. Identifiers: Orphanet 482601, MedGen C5567521, MONDO:0014877, OMIM 617030.

Submission:

Women's Health and Genetics/Laboratory Corporation of America, LabCorp
Classification: Pathogenic for Myopathy, distal, 5. Last evaluated: 2026-05-05. Review status: criteria provided, single submitter. Criteria: LabCorp Variant Classification Summary - May 2015. Collection method: clinical testing. Allele origin: germline.
Comment: Variant summary: The variant involves the deletion of exons 3-8 in the ADSS1 gene. A presumed nomenclature of c.(424+1_425-1)_(922+1_923-1)del has been designated for the purposes of this classification. This Copy Number Variant (CNV) is predicted to result in an in-frame deletion within this gene. Loss-of-function variants in this gene are known to be pathogenic. The frequency data for this variant in gnomAD is considered unreliable, as metrics indicate poor data quality at this position. To our knowledge, no occurrence of c.(424+1_425-1)_(922+1_923-1)del in individuals affected with ADSS1-related conditions and no experimental evidence demonstrating its impact on protein function have been reported. At least one variant within the deleted region (c.781G>A, p.Asp261Asn) has been classified as pathogenic, providing evidence that the region altered by the variant is critical to protein function. ClinVar contains an entry for this variant (Variation ID: 1681849). Based on the evidence outlined above, the variant was classified as pathogenic.

NC_000014.8:g.(105201460_105204712)_(105207581_105208184)del

Gene: ADSS1 (adenylosuccinate synthase 1; plus strand). Cytogenetic location: 14q32.33.
Variant type: Deletion.
Identifiers: ClinVar variation 4853567 (VCV004853567.1).